The following is an entry in ClinVar:

NM_198994.3(TGM6):c.364C>A (p.Arg122Ser)

Gene: TGM6 (transglutaminase 6; plus strand). Cytogenetic location: 20p13.
Variant type: single nucleotide variant.
Coding change: c.364C>A on transcript NM_198994.3 (MANE Select); coding-DNA position 364, C replaced by A.
Protein change: p.Arg122Ser; replaces arginine 122 with serine.
Molecular consequence: missense variant.
Genome position (GRCh38, 1-based): chr20:2,395,376, C>A. VCF-style: chr20-2395376-C-A. GRCh37 (hg19) VCF-style: chr20-2376022-C-A.
Other names: c.364C>A, p.Arg122Ser (NM_001254734.2); short protein forms R122S.
Identifiers: ClinVar variation 1700551 (VCV001700551.2), dbSNP rs145445566, ClinGen allele CA408009428.

ClinVar aggregate classification (germline): Uncertain significance (1 of 4 stars; one submission).

gnomAD v4.1: 6 of 1,614,264 alleles (0.00037%); highest among the groups gnomAD compares: Non-Finnish European, 0.00051%; no homozygotes.

Submission:

GeneDx
Classification: Uncertain significance. Last evaluated: 2022-02-07. Review status: criteria provided, single submitter. Criteria: GeneDx Variant Classification Process June 2021. Collection method: clinical testing. Allele origin: germline. Affected: yes.
Comment: Has not been previously published as pathogenic or benign to our knowledge; Not observed at significant frequency in large population cohorts (gnomAD); In silico analysis supports that this missense variant does not alter protein structure/function